The following is an entry in ClinVar:

ClinVar aggregate classification (germline): Likely benign. Review status: criteria provided, multiple submitters, no conflicts (2 of 4 stars). 3 submissions from 3 submitters: Likely benign (3). Last evaluated 2026-08-01.

Conditions:
Cardiac arrhythmia. Also called: Arrhythmia; Cardiac rhythm disease. Identifiers: MedGen C0003811, MONDO:0007263, HP:0011675.
Long QT syndrome (LQTS). Identifiers: MedGen C0023976, MeSH D008133, MONDO:0002442. Disease mechanism: loss of function. Inheritance: Various modes of inheritance.

Allele frequency attached by ClinVar (database versions not stated): gnomAD exomes below 0.00001; ExAC 0.00001; TOPMed 0.00001; gnomAD 0.00002.
gnomAD v4.1: 5 of 1,606,076 alleles (0.00031%); highest among the groups gnomAD compares: African/African-American, 0.004%; no homozygotes.

Submissions (3):

CeGaT Center for Human Genetics Tuebingen
Classification: Likely benign. Last evaluated: 2026-08-01. Review status: criteria provided, single submitter. Criteria: CeGaT Center For Human Genetics Tuebingen Variant Classification Criteria Version 2. Collection method: clinical testing. Allele origin: germline. Affected: yes. Observed: 1 variant allele.
Comment: KCNH2: BP4, BP7

Labcorp Genetics (formerly Invitae), Labcorp
Classification: Likely benign for Long QT syndrome. Last evaluated: 2024-06-25. Review status: criteria provided, single submitter. Criteria: Invitae Variant Classification Sherloc (09022015). Collection method: clinical testing. Allele origin: germline.

Color Diagnostics, LLC DBA Color Health
Classification: Likely benign for Arrhythmia. Last evaluated: 2019-03-30. Review status: criteria provided, single submitter. Criteria: ACMG Guidelines, 2015. Collection method: clinical testing. Allele origin: germline.

NM_000238.4(KCNH2):c.3252G>A (p.Pro1084=)

Gene: KCNH2 (potassium voltage-gated channel subfamily H member 2; minus strand). Cytogenetic location: 7q36.1.
Variant type: single nucleotide variant.
Coding change: c.3252G>A on transcript NM_000238.4 (MANE Select); coding-DNA position 3252, G replaced by A.
Protein change: p.Pro1084=; no amino-acid change (proline 1084 retained).
Molecular consequence: synonymous variant.
Genome position (GRCh38, 1-based): chr7:150,946,955, C>T on the plus strand (G>A on the coding strand, the complement: KCNH2 is on the minus strand). VCF-style: chr7-150946955-C-T. GRCh37 (hg19) VCF-style: chr7-150644043-C-T.
Other names: c.2232G>A, p.Pro744= (NM_172057.3).
Identifiers: ClinVar variation 925812 (VCV000925812.10), dbSNP rs753375396, ClinGen allele CA038138.